The following is an entry in ClinVar:

ClinVar aggregate classification (germline): Likely pathogenic (1 of 4 stars; one submission).

Conditions:
Cornelia de Lange syndrome 1 (CDLS1). Also called: Brachmann de Lange syndrome; TYPUS DEGENERATIVUS AMSTELODAMENSIS; NIPBL-Related Cornelia de Lange Syndrome. Identifiers: Orphanet 199, MedGen C4551851, MONDO:0007387, OMIM 122470.

Submission:

3billion
Classification: Likely pathogenic for Cornelia de Lange syndrome 1. Last evaluated: 2022-05-22. Review status: criteria provided, single submitter. Criteria: ACMG Guidelines, 2015. Collection method: clinical testing. Allele origin: germline. Affected: yes. Observed: 1 heterozygote.
Comment: The variant is not observed in the gnomAD v2.1.1 dataset. Frameshift: predicted to result in a loss or disruption of normal protein function through protein truncation. Multiple pathogenic variants are reported in the predicted truncated region. Therefore, this variant is classified as likely pathogenic according to the recommendation of ACMG/AMP guideline.

NM_133433.4(NIPBL):c.8390_8396del (p.Ala2797fs)

Gene: NIPBL (NIPBL cohesin loading factor; plus strand). Cytogenetic location: 5p13.2.
Variant type: Deletion.
Coding change: c.8390_8396del on transcript NM_133433.4 (MANE Select); coding-DNA positions 8390 to 8396, 7 bases deleted (CCGCCAA; older notation c.8390_8396delCCGCCAA).
Protein change: p.Ala2797fs; shifts the reading frame from alanine 2797.
Molecular consequence: frameshift variant. On other transcripts: 3 prime UTR variant (1).
Genome position (GRCh38, 1-based): chr5:37,064,867-37,064,873, CCGCCAA deleted. VCF-style (leftmost placement, unchanged base first): chr5-37064866-GCCGCCAA-G. GRCh37 (hg19) VCF-style: chr5-37064968-GCCGCCAA-G.
Other names: c.*844_*850del (NM_015384.5); short protein forms A2797fs.
Identifiers: ClinVar variation 1687333 (VCV001687333.1), dbSNP rs2149761324, ClinGen allele CA2573139633.